The following is an entry in ClinVar:

ClinVar aggregate classification (germline): Uncertain significance. Review status: criteria provided, multiple submitters, no conflicts (2 of 4 stars). 2 submissions from 2 submitters: Uncertain significance (2). Last evaluated 2024-02-11.

Conditions:
DICER1-related tumor predisposition. Also called: DICER1 syndrome; DICER1-related pleuropulmonary blastoma cancer predisposition syndrome. Identifiers: Orphanet 284343, MedGen C3839822, MONDO:0100216.
Hereditary cancer-predisposing syndrome. Also called: Hereditary neoplastic syndrome; Neoplastic Syndromes, Hereditary; Tumor predisposition; Hereditary Cancer Syndrome. Identifiers: Orphanet 140162, MedGen C0027672, MeSH D009386, MONDO:0015356.

Allele frequency attached by ClinVar (database versions not stated): gnomAD exomes below 0.00001.
gnomAD v4.1: 2 of 1,614,048 alleles (0.00012%); highest among the groups gnomAD compares: South Asian, 0.0022%; no homozygotes.

Submissions (2):

Labcorp Genetics (formerly Invitae), Labcorp
Classification: Uncertain significance for DICER1-related tumor predisposition. Last evaluated: 2024-02-11. Review status: criteria provided, single submitter. Criteria: Invitae Variant Classification Sherloc (09022015). Collection method: clinical testing. Allele origin: germline.
Comment: This sequence change replaces threonine, which is neutral and polar, with alanine, which is neutral and non-polar, at codon 480 of the DICER1 protein (p.Thr480Ala). This variant is not present in population databases (gnomAD no frequency). This variant has not been reported in the literature in individuals affected with DICER1-related conditions. ClinVar contains an entry for this variant (Variation ID: 1040919). Advanced modeling of protein sequence and biophysical properties (such as structural, functional, and spatial information, amino acid conservation, physicochemical variation, residue mobility, and thermodynamic stability) performed at Invitae indicates that this missense variant is not expected to disrupt DICER1 protein function with a negative predictive value of 80%. In summary, the available evidence is currently insufficient to determine the role of this variant in disease. Therefore, it has been classified as a Variant of Uncertain Significance.

Ambry Genetics
Classification: Uncertain significance for Hereditary cancer-predisposing syndrome. Last evaluated: 2024-01-17. Review status: criteria provided, single submitter. Criteria: Ambry Variant Classification Scheme 2023. Collection method: clinical testing. Allele origin: germline.
Comment: The p.T480A variant (also known as c.1438A>G), located in coding exon 8 of the DICER1 gene, results from an A to G substitution at nucleotide position 1438. The threonine at codon 480 is replaced by alanine, an amino acid with similar properties. This amino acid position is conserved. In addition, the in silico prediction for this alteration is inconclusive. Based on the available evidence, the clinical significance of this alteration remains unclear.

NM_177438.3(DICER1):c.1438A>G (p.Thr480Ala)

Gene: DICER1 (dicer 1, ribonuclease III; minus strand). Cytogenetic location: 14q32.13.
Variant type: single nucleotide variant.
Coding change: c.1438A>G on transcript NM_177438.3 (MANE Select); coding-DNA position 1438, A replaced by G.
Protein change: p.Thr480Ala; replaces threonine 480 with alanine.
Molecular consequence: missense variant.
Genome position (GRCh38, 1-based): chr14:95,117,693, T>C on the plus strand (A>G on the coding strand, the complement: DICER1 is on the minus strand). VCF-style: chr14-95117693-T-C. GRCh37 (hg19) VCF-style: chr14-95584030-T-C.
Other names: c.1438A>G, p.Thr480Ala (NM_001195573.1, NM_001271282.3, NM_001291628.2 and 1 more transcripts); c.1438A>G (NM_177438.2); short protein forms T480A.
Identifiers: ClinVar variation 1040919 (VCV001040919.11), dbSNP rs1892601898, ClinGen allele CA390885568.